The following is an entry in ClinVar:

NM_002637.4(PHKA1):c.466A>G (p.Ile156Val)

Gene: PHKA1 (phosphorylase kinase regulatory subunit alpha 1; minus strand). Cytogenetic location: Xq13.1.
Variant type: single nucleotide variant.
Coding change: c.466A>G on transcript NM_002637.4 (MANE Select); coding-DNA position 466, A replaced by G.
Protein change: p.Ile156Val; replaces isoleucine 156 with valine.
Molecular consequence: missense variant.
Genome position (GRCh38, 1-based): chrX:72,684,569, T>C on the plus strand (A>G on the coding strand, the complement: PHKA1 is on the minus strand). VCF-style: chrX-72684569-T-C. GRCh37 (hg19) VCF-style: chrX-71904419-T-C.
Other names: c.466A>G (NM_002637.3); c.466A>G, p.Ile156Val (NM_001122670.2, NM_001172436.2); short protein forms I156V.
Identifiers: ClinVar variation 2917275 (VCV002917275.4), dbSNP rs782021409, ClinGen allele CA10451054.

ClinVar aggregate classification (germline): Conflicting classifications of pathogenicity. Review status: criteria provided, conflicting classifications (1 of 4 stars). 2 submissions from 2 submitters: Uncertain significance (1); Likely benign (1). Last evaluated 2025-04-15.

Conditions:
Glycogen storage disease IXd (GSD9D). Also called: GSD IXd; Muscle Phosphorylase Kinase Deficiency. Identifiers: Orphanet 715, MedGen C1845151, MONDO:0010362, OMIM 300559.
Inborn genetic diseases. Identifiers: MedGen C0950123, MeSH D030342.

Allele frequency attached by ClinVar (database versions not stated): TOPMed below 0.00001; ExAC 0.00001; gnomAD 0.00001.

Submissions (2):

Ambry Genetics
Classification: Likely benign for Inborn genetic diseases. Last evaluated: 2025-04-15. Review status: criteria provided, single submitter. Criteria: Ambry Variant Classification Scheme 2023. Collection method: clinical testing. Allele origin: germline.

Labcorp Genetics (formerly Invitae), Labcorp
Classification: Uncertain significance for Glycogen storage disease IXd. Last evaluated: 2022-12-18. Review status: criteria provided, single submitter. Criteria: Invitae Variant Classification Sherloc (09022015). Collection method: clinical testing. Allele origin: germline.
Comment: Advanced modeling of protein sequence and biophysical properties (such as structural, functional, and spatial information, amino acid conservation, physicochemical variation, residue mobility, and thermodynamic stability) performed at Invitae indicates that this missense variant is not expected to disrupt PHKA1 protein function. This variant has not been reported in the literature in individuals affected with PHKA1-related conditions. This variant is present in population databases (rs782021409, gnomAD 0.02%). This sequence change replaces isoleucine, which is neutral and non-polar, with valine, which is neutral and non-polar, at codon 156 of the PHKA1 protein (p.Ile156Val). In summary, the available evidence is currently insufficient to determine the role of this variant in disease. Therefore, it has been classified as a Variant of Uncertain Significance.